The following is an entry in ClinVar:

ClinVar aggregate classification (germline): Uncertain significance (1 of 4 stars; one submission).

Conditions:
Axenfeld-Rieger syndrome type 3 (RIEG3). Also called: AXENFELD-RIEGER ANOMALY WITH CARDIAC DEFECTS AND/OR SENSORINEURAL HEARING LOSS. Identifiers: Orphanet 782, MedGen C2678503, MONDO:0011233, OMIM 602482.

Submission:

Labcorp Genetics (formerly Invitae), Labcorp
Classification: Uncertain significance for Axenfeld-Rieger syndrome type 3. Last evaluated: 2024-11-26. Review status: criteria provided, single submitter. Criteria: Invitae Variant Classification Sherloc (09022015). Collection method: clinical testing. Allele origin: germline.
Comment: This variant, c.735_758del, results in the deletion of 8 amino acid(s) of the FOXC1 protein (p.Leu246_Ala253del), but otherwise preserves the integrity of the reading frame. This variant is present in population databases (rs773870097, gnomAD 0.03%). This variant has not been reported in the literature in individuals affected with FOXC1-related conditions. ClinVar contains an entry for this variant (Variation ID: 2037131). Experimental studies and prediction algorithms are not available or were not evaluated, and the functional significance of this variant is currently unknown. In summary, the available evidence is currently insufficient to determine the role of this variant in disease. Therefore, it has been classified as a Variant of Uncertain Significance.

NM_001453.3(FOXC1):c.735_758del (p.Leu246_Ala253del)

Gene: FOXC1 (forkhead box C1; plus strand). Cytogenetic location: 6p25.3.
Variant type: Deletion.
Coding change: c.735_758del on transcript NM_001453.3 (MANE Select); coding-DNA positions 735 to 758, 24 bases deleted (CCTGGGCAGCGGCAGCGCCGCCGC).
Protein change: p.Leu246_Ala253del.
Molecular consequence: inframe deletion.
Genome position (GRCh38, 1-based): chr6:1,611,180-1,611,203, CCTGGGCAGCGGCAGCGCCGCCGC deleted; deleting any 24 consecutive bases within chr6:1,611,172-1,611,203 gives the same sequence; the c. name uses the placement nearest the transcript's 3' end. VCF-style (leftmost placement, unchanged base first): chr6-1611171-GGCCGCCGCCCTGGGCAGCGGCAGC-G. GRCh37 (hg19) VCF-style: chr6-1611406-GGCCGCCGCCCTGGGCAGCGGCAGC-G.
Identifiers: ClinVar variation 2037131 (VCV002037131.4), dbSNP rs773870097, ClinGen allele CA3614815.